The following is an entry in ClinVar:

ClinVar aggregate classification (germline): Uncertain significance (1 of 4 stars; one submission).

Conditions:
Neurodevelopmental disorder with or without hyperkinetic movements and seizures, autosomal dominant. Also called: Intellectual disability, autosomal dominant 8. Identifiers: MedGen C3280282, MONDO:0013655, OMIM 614254.

Submission:

Labcorp Genetics (formerly Invitae), Labcorp
Classification: Uncertain significance for Neurodevelopmental disorder with or without hyperkinetic movements and seizures, autosomal dominant. Last evaluated: 2018-03-24. Review status: criteria provided, single submitter. Criteria: Invitae Variant Classification Sherloc (09022015). Collection method: clinical testing. Allele origin: germline.
Comment: This variant has not been reported in the literature in individuals with GRIN1-related disease. In summary, the available evidence is currently insufficient to determine the role of this variant in disease. Therefore, it has been classified as a Variant of Uncertain Significance. Algorithms developed to predict the effect of missense changes on protein structure and function do not agree on the potential impact of this missense change (SIFT: "Tolerated"; PolyPhen-2: "Possibly Damaging"; Align-GVGD: "Class C0"). This variant is not present in population databases (ExAC no frequency). This sequence change replaces aspartic acid with glutamic acid at codon 170 of the GRIN1 protein (p.Asp170Glu). The aspartic acid residue is highly conserved and there is a small physicochemical difference between aspartic acid and glutamic acid.

NM_007327.4(GRIN1):c.510C>A (p.Asp170Glu)

Gene: GRIN1 (glutamate ionotropic receptor NMDA type subunit 1; plus strand). Cytogenetic location: 9q34.3.
Variant type: single nucleotide variant.
Coding change: c.510C>A on transcript NM_007327.4 (MANE Select); coding-DNA position 510, C replaced by A.
Protein change: p.Asp170Glu; replaces aspartic acid 170 with glutamic acid.
Molecular consequence: missense variant.
Genome position (GRCh38, 1-based): chr9:137,145,842, C>A. VCF-style: chr9-137145842-C-A. GRCh37 (hg19) VCF-style: chr9-140040294-C-A.
Other names: c.510C>A, p.Asp170Glu (NM_000832.7, NM_001185090.2, NM_001185091.2 and 1 more transcripts); short protein forms D170E.
Identifiers: ClinVar variation 570352 (VCV000570352.9), dbSNP rs765185253, ClinGen allele CA375714076.